The following is an entry in ClinVar:

NM_053025.4(MYLK):c.-24C>T

Gene: MYLK (myosin light chain kinase; minus strand). Cytogenetic location: 3q21.1.
Variant type: single nucleotide variant.
Coding change: c.-24C>T on transcript NM_053025.4 (MANE Select); 24 bases upstream of the start codon, C replaced by T.
Molecular consequence: 5 prime UTR variant.
Genome position (GRCh38, 1-based): chr3:123,831,568, G>A on the plus strand (C>T on the coding strand, the complement: MYLK is on the minus strand). VCF-style: chr3-123831568-G-A. GRCh37 (hg19) VCF-style: chr3-123550415-G-A.
Other names: c.-344C>T (NM_001321309.2); c.-24C>T (NM_053026.4, NM_053027.4, NM_053028.4).
Identifiers: ClinVar variation 342910 (VCV000342910.5), dbSNP rs553555866, ClinGen allele CA10614670.

ClinVar aggregate classification (germline): Conflicting classifications of pathogenicity. Review status: criteria provided, conflicting classifications (1 of 4 stars). 2 submissions from 2 submitters: Uncertain significance (1); Likely benign (1). Last evaluated 2018-01-13.

Conditions:
Aortic aneurysm, familial thoracic 7 (AAT7). Also called: AORTIC DISSECTION, FAMILIAL, WITH OR WITHOUT AORTIC ANEURYSM. Identifiers: MedGen C3151077, MONDO:0013418, OMIM 613780.

Allele frequency attached by ClinVar (database versions not stated): gnomAD exomes 0.00024; TOPMed 0.00195.
gnomAD v4.1: 213 of 472,010 alleles (0.045%); highest among the groups gnomAD compares: Middle Eastern, 0.078%; 4 homozygotes.

Submissions (2):

Illumina Laboratory Services, Illumina
Classification: Uncertain significance for Aortic aneurysm, familial thoracic 7. Last evaluated: 2018-01-13. Review status: criteria provided, single submitter. Criteria: ICSL Variant Classification Criteria 13 December 2019. Collection method: clinical testing. Allele origin: germline.

GeneDx
Classification: Likely benign. Last evaluated: 2017-07-13. Review status: criteria provided, single submitter. Criteria: GeneDx Variant Classification (06012015). Collection method: clinical testing. Allele origin: germline. Affected: yes.
Comment: This variant is considered likely benign or benign based on one or more of the following criteria: it is a conservative change, it occurs at a poorly conserved position in the protein, it is predicted to be benign by multiple in silico algorithms, and/or has population frequency not consistent with disease.